The following is an entry in ClinVar:

NM_000093.5(COL5A1):c.2133_2133+2del

Gene: COL5A1 (collagen type V alpha 1 chain; plus strand). Cytogenetic location: 9q34.3.
Variant type: Deletion.
Coding change: c.2133_2133+2del on transcript NM_000093.5 (MANE Select); coding-DNA position 2133 through the canonical splice donor site of the intron after coding-DNA position 2133, 3 bases deleted (GGT; older notation c.2133_2133+2delGGT).
Molecular consequence: splice donor variant.
Genome position (GRCh38, 1-based): chr9:134,766,498-134,766,500, GGT deleted; deleting any 3 consecutive bases within chr9:134,766,496-134,766,500 gives the same sequence; the c. name uses the placement nearest the transcript's 3' end. VCF-style (leftmost placement, unchanged base first): chr9-134766495-TGTG-T. GRCh37 (hg19) VCF-style: chr9-137658341-TGTG-T.
Other names: c.2133_2133+2del (NM_001278074.1).
Identifiers: ClinVar variation 4767348 (VCV004767348.1).

ClinVar aggregate classification (germline): Likely pathogenic (1 of 4 stars; one submission).

Conditions:
Ehlers-Danlos syndrome, classic type, 1 (EDSCL1). Also called: EHLERS-DANLOS SYNDROME, GRAVIS TYPE; EHLERS-DANLOS SYNDROME, SEVERE CLASSIC TYPE; Ehlers-Danlos syndrome, type 1; Ehlers-Danlos Syndrome, Classic Type, COL5A1-Related; EDS I. Identifiers: MedGen C0268335, MONDO:0019567, OMIM 130000.

Submission:

Labcorp Genetics (formerly Invitae), Labcorp
Classification: Likely pathogenic for Ehlers-Danlos syndrome, classic type, 1. Last evaluated: 2025-09-19. Review status: criteria provided, single submitter. Criteria: Invitae Variant Classification Sherloc (09022015). Collection method: clinical testing. Allele origin: germline.
Comment: This variant results in the deletion of part of exon 22 (c.2133_2133+2del) of the COL5A1 gene. It is expected to disrupt RNA splicing. Variants that disrupt the donor or acceptor splice site typically lead to a loss of protein function (PMID: 16199547), and loss-of-function variants in COL5A1 are known to be pathogenic (PMID: 23587214). This variant is not present in population databases (gnomAD no frequency). This variant has not been reported in the literature in individuals affected with COL5A1-related conditions. Algorithms developed to predict the effect of sequence changes on RNA splicing suggest that this variant may disrupt the consensus splice site. In summary, the currently available evidence indicates that the variant is pathogenic, but additional data are needed to prove that conclusively. Therefore, this variant has been classified as Likely Pathogenic.

Literature cited by the submitters: PubMed 16199547; PubMed 23587214.